The following is an entry in ClinVar:

NM_004715.5(CTDP1):c.2738G>A (p.Arg913Gln)

Gene: CTDP1 (CTD phosphatase subunit 1; plus strand). Cytogenetic location: 18q23.
Variant type: single nucleotide variant.
Coding change: c.2738G>A on transcript NM_004715.5 (MANE Select); coding-DNA position 2738, G replaced by A.
Protein change: p.Arg913Gln; replaces arginine 913 with glutamine.
Molecular consequence: missense variant. On other transcripts: intron variant (1).
Genome position (GRCh38, 1-based): chr18:79,736,512, G>A. VCF-style: chr18-79736512-G-A. GRCh37 (hg19) VCF-style: chr18-77496512-G-A.
Other names: c.2738G>A (NM_004715.4); c.2381G>A, p.Arg794Gln (NM_001202504.1); c.2575G>A, p.Gly859Arg (NM_048368.4); c.2580+7443G>A (NM_001318511.2); short protein forms R913Q, G859R, R794Q.
Identifiers: ClinVar variation 1443445 (VCV001443445.6), dbSNP rs1365031542, ClinGen allele CA402834750.
Genomic context (GRCh38, chr18:79,736,512, plus strand): 5'-CCCGCAGGGAGCGGACGCTCGGGGCACCTGCGTCCAGCGAGAGGAGCGCGGCAGGGGGCC[G>A]GGGGCCCAGGTGAGTGCGGGGTCTGAGGTGGGAGGGGCCTGACACGGGCTCCCGGAGGTG-3'
Protein context (NP_004706.3, residues 903-923): ASSERSAAGG[Arg913Gln]GPRGHKRKLN

ClinVar aggregate classification (germline): Uncertain significance. Review status: criteria provided, multiple submitters, no conflicts (2 of 4 stars). 2 submissions from 2 submitters: Uncertain significance (2). Last evaluated 2025-07-03.

Allele frequency attached by ClinVar (database versions not stated): gnomAD exomes 0.00002 and 0.00003; gnomAD 0.00001; TOPMed 0.00001.
gnomAD v4.1: 34 of 1,543,170 alleles (0.0022%); highest among the groups gnomAD compares: Admixed American, 0.002%; no homozygotes.

Submissions (2):

Ambry Genetics
Classification: Uncertain significance. Last evaluated: 2025-07-03. Review status: criteria provided, single submitter. Criteria: Ambry Variant Classification Scheme 2023. Collection method: clinical testing. Allele origin: germline.

Labcorp Genetics (formerly Invitae), Labcorp
Classification: Uncertain significance. Last evaluated: 2025-03-17. Review status: criteria provided, single submitter. Criteria: Invitae Variant Classification Sherloc (09022015). Collection method: clinical testing. Allele origin: germline.
Comment: This sequence change replaces arginine, which is basic and polar, with glutamine, which is neutral and polar, at codon 913 of the CTDP1 protein (p.Arg913Gln). This variant is present in population databases (no rsID available, gnomAD 0.03%). This variant has not been reported in the literature in individuals affected with CTDP1-related conditions. ClinVar contains an entry for this variant (Variation ID: 1443445). An algorithm developed to predict the effect of missense changes on protein structure and function (PolyPhen-2) suggests that this variant is likely to be disruptive. In summary, the available evidence is currently insufficient to determine the role of this variant in disease. Therefore, it has been classified as a Variant of Uncertain Significance.